The following is an entry in ClinVar:

ClinVar aggregate classification (germline): Uncertain significance (1 of 4 stars; one submission).

Submission:

GeneDx
Classification: Uncertain significance. Last evaluated: 2023-01-09. Review status: criteria provided, single submitter. Criteria: GeneDx Variant Classification Process June 2021. Collection method: clinical testing. Allele origin: germline. Affected: yes.
Comment: Has not been previously published as pathogenic or benign to our knowledge; Not observed at significant frequency in large population cohorts (gnomAD); In silico analysis supports that this missense variant has a deleterious effect on protein structure/function

NM_005982.4(SIX1):c.268G>A (p.Ala90Thr)

Gene: SIX1 (SIX homeobox 1; minus strand). Cytogenetic location: 14q23.1.
Variant type: single nucleotide variant.
Coding change: c.268G>A on transcript NM_005982.4 (MANE Select); coding-DNA position 268, G replaced by A.
Protein change: p.Ala90Thr; replaces alanine 90 with threonine.
Molecular consequence: missense variant.
Genome position (GRCh38, 1-based): chr14:60,648,922, C>T on the plus strand (G>A on the coding strand, the complement: SIX1 is on the minus strand). VCF-style: chr14-60648922-C-T. GRCh37 (hg19) VCF-style: chr14-61115640-C-T.
Other names: short protein forms A90T.
Identifiers: ClinVar variation 2571938 (VCV002571938.1), dbSNP rs1895006150, ClinGen allele CA389910672.